The following is an entry in ClinVar:

ClinVar aggregate classification (germline): Uncertain significance (1 of 4 stars; one submission).

Submission:

Dasa
Classification: Uncertain significance. Last evaluated: 2026-02-25. Review status: criteria provided, single submitter. Criteria: DASA Assertion Criteria. Collection method: clinical testing. Allele origin: germline.
Comment: NM_006761.5(YWHAE):c.659T>A (p.Ile220Asn) is a missense variant that results in the substitution of isoleucine with asparagine. This variant is absent from population databases. Computational prediction algorithms are consistent with a deleterious effect. The currently available literature and clinical evidence are not sufficient to establish a definitive association between this variant and the reported condition. Therefore, this variant is classified as a variant of uncertain significance.

NM_006761.5(YWHAE):c.659T>A (p.Ile220Asn)

Gene: YWHAE (tyrosine 3-monooxygenase/tryptophan 5-monooxygenase activation protein epsilon; minus strand). Cytogenetic location: 17p13.3.
Variant type: single nucleotide variant.
Coding change: c.659T>A on transcript NM_006761.5 (MANE Select); coding-DNA position 659, T replaced by A.
Protein change: p.Ile220Asn; replaces isoleucine 220 with asparagine.
Molecular consequence: missense variant. On other transcripts: non-coding transcript variant (1).
Genome position (GRCh38, 1-based): chr17:1,354,267, A>T on the plus strand (T>A on the coding strand, the complement: YWHAE is on the minus strand). VCF-style: chr17-1354267-A-T. GRCh37 (hg19) VCF-style: chr17-1257561-A-T.
Other names: short protein forms I220N.
Identifiers: ClinVar variation 4886631 (VCV004886631.2).